The following is an entry in ClinVar:

ClinVar aggregate classification (germline): Conflicting classifications of pathogenicity. Review status: criteria provided, conflicting classifications (1 of 4 stars). 7 submissions from 7 submitters: Likely pathogenic (2); Uncertain significance (3); Likely benign (2). Last evaluated 2026-01-13.

Conditions:
Tuberous sclerosis syndrome (TSC). Also called: Tuberous Sclerosis Complex; Tuberous sclerosis. Identifiers: Orphanet 805, MedGen C0041341, MONDO:0001734.
Hereditary cancer-predisposing syndrome. Also called: Neoplastic Syndromes, Hereditary; Hereditary neoplastic syndrome; Tumor predisposition; Hereditary Cancer Syndrome. Identifiers: Orphanet 140162, MedGen C0027672, MeSH D009386, MONDO:0015356.
Isolated focal cortical dysplasia type II (FCORD2). Also called: CORTICAL DYSPLASIA OF TAYLOR; Focal cortical dysplasia type II. Identifiers: Orphanet 268994, MedGen C1846385, MONDO:0011818, OMIM 607341, HP:0032051.
Tuberous sclerosis 2 (TSC2). Identifiers: Orphanet 805, MedGen C1860707, MONDO:0013199, OMIM 613254.

Allele frequency attached by ClinVar (database versions not stated): gnomAD exomes below 0.00001 and 0.00001; ExAC 0.00001; TOPMed 0.00001.
gnomAD v4.1: 5 of 1,612,730 alleles (0.00031%); highest among the groups gnomAD compares: Non-Finnish European, 0.000085%; no homozygotes.

Submissions (7):

Labcorp Genetics (formerly Invitae), Labcorp
Classification: Likely benign for Tuberous sclerosis 2. Last evaluated: 2026-01-13. Review status: criteria provided, single submitter. Criteria: Invitae Variant Classification Sherloc (09022015). Collection method: clinical testing. Allele origin: germline.

GeneDx
Classification: Uncertain significance. Last evaluated: 2025-02-07. Review status: criteria provided, single submitter. Criteria: GeneDx Variant Classification Process June 2021. Collection method: clinical testing. Allele origin: germline. Affected: yes.
Comment: Canonical splice site variant with an unclear effect on protein function, although loss of an in-frame exon is predicted; Deletions involving coding exons of this gene are a known mechanism of disease (HGMD); This variant is associated with the following publications: (PMID: 17304050, 10205261, 16199547, 18466115, 39669595, 30476936, 31447099)

Color Diagnostics, LLC DBA Color Health
Classification: Uncertain significance for Tuberous sclerosis syndrome. Last evaluated: 2023-11-28. Review status: criteria provided, single submitter. Criteria: ACMG Guidelines, 2015. Collection method: clinical testing. Allele origin: germline.
Comment: This variant causes a G to A nucleotide substitution at the -1 position of intron 35 of the TSC2 gene. Splice site prediction tools predict that this variant may have a significant impact on RNA splicing, although this prediction has not been confirmed in published RNA studies and the predicted impact at the protein level is uncertain. This variant has not been reported in individuals affected with TSC2-related disorders in the literature. This variant has been identified in 2/249758 chromosomes in the general population by the Genome Aggregation Database (gnomAD). The available evidence is insufficient to determine the role of this variant in disease conclusively. Therefore, this variant is classified as a Variant of Uncertain Significance.

Ambry Genetics
Classification: Likely benign for Hereditary cancer-predisposing syndrome. Last evaluated: 2023-10-05. Review status: criteria provided, single submitter. Criteria: Ambry Variant Classification Scheme 2023. Collection method: clinical testing. Allele origin: germline.

Baylor Genetics
Classification: Uncertain significance for Isolated focal cortical dysplasia type II. Last evaluated: 2023-01-01. Review status: criteria provided, single submitter. Criteria: ACMG Guidelines, 2015. Collection method: clinical testing. Allele origin: unknown.

Genome-Nilou Lab
Classification: Likely pathogenic for Tuberous sclerosis 2. Last evaluated: 2021-11-07. Review status: criteria provided, single submitter. Criteria: ACMG Guidelines, 2015. Collection method: clinical testing. Allele origin: germline. Affected: no.

Human Genome Sequencing Center Clinical Lab, Baylor College of Medicine
Classification: Likely pathogenic for Tuberous sclerosis type 2. Last evaluated: 2018-10-12. Review status: criteria provided, single submitter. Criteria: ACMG Guidelines, 2015. Collection method: clinical testing. Allele origin: germline.
Comment: This c.4570-1G>A variant in a canonical splice site acceptor site is predicted to result in a frameshift mutation resulting in a product , if any, without the GTPAse activating domain. The variant affects major biological transcripts and is consistent with loss of function disease mechanism of TSC2.The variant is absent in public databases. Therefore, this c.4570-1G>A variant in the TSC2 gene is classified as likely pathogenic.

NM_000548.5(TSC2):c.4570-1G>A

Gene: TSC2 (TSC complex subunit 2; plus strand). Cytogenetic location: 16p13.3.
Variant type: single nucleotide variant.
Coding change: c.4570-1G>A on transcript NM_000548.5 (MANE Select); the canonical splice acceptor site of the intron before coding-DNA position 4570, G replaced by A.
Molecular consequence: splice acceptor variant.
Genome position (GRCh38, 1-based): chr16:2,085,229, G>A. VCF-style: chr16-2085229-G-A. GRCh37 (hg19) VCF-style: chr16-2135230-G-A.
Other names: c.3028-1G>A (NM_001406693.1, NM_001406692.1, NM_001406694.1); c.4462-1G>A (NM_001406667.1); c.4459-1G>A (NM_001406668.1); c.3970-1G>A (NM_001406680.1); c.3901-1G>A (NM_001406683.1, NM_001406682.1); c.3769-1G>A (NM_001406687.1, NM_001406688.1); c.3157-1G>A (NM_001406689.1); c.3097-1G>A (NM_001406690.1); and 26 more.
Identifiers: ClinVar variation 665991 (VCV000665991.25), dbSNP rs777985056, ClinGen allele CA051714.